The following is an entry in ClinVar:

ClinVar aggregate classification (germline): Likely benign (1 of 4 stars; one submission).

Submission:

CeGaT Center for Human Genetics Tuebingen
Classification: Likely benign. Last evaluated: 2026-03-01. Review status: criteria provided, single submitter. Criteria: CeGaT Center For Human Genetics Tuebingen Variant Classification Criteria Version 2. Collection method: clinical testing. Allele origin: germline. Affected: yes. Observed: 1 variant allele.
Comment: SAA2: BP4, BS2

NM_030754.5(SAA2):c.332A>G (p.Asn111Ser)

Genes: SAA2 (serum amyloid A2; minus strand), SAA2-SAA4 (SAA2-SAA4 readthrough; minus strand). Cytogenetic location: 11p15.1.
Variant type: single nucleotide variant.
Coding change: c.332A>G on transcript NM_030754.5 (MANE Select); coding-DNA position 332, A replaced by G.
Protein change: p.Asn111Ser; replaces asparagine 111 with serine.
Molecular consequence: missense variant. On other transcripts: intron variant (5).
Genome position (GRCh38, 1-based): chr11:18,245,414, T>C on the plus strand (A>G on the coding strand, the complement: SAA2 is on the minus strand). VCF-style: chr11-18245414-T-C. GRCh37 (hg19) VCF-style: chr11-18266961-T-C.
Other names: c.332A>G, p.Asn111Ser (NM_001385666.1); c.193A>G, p.Ile65Val (NM_001385668.1); c.239A>G, p.Asn80Ser (NM_001385670.1); c.230A>G, p.Asn77Ser (NM_001385671.1); c.100A>G, p.Ile34Val (NM_001385673.1); c.230+496A>G (NM_001199744.2, NM_001385672.1, NM_001127380.3 and 1 more transcripts); c.231-91A>G (NM_001385669.1); short protein forms I34V, I65V, N111S, N77S, N80S.
Identifiers: ClinVar variation 4820816 (VCV004820816.4).